The following is an entry in ClinVar:

ClinVar aggregate classification (germline): Likely benign (1 of 4 stars; one submission).

Allele frequency attached by ClinVar (database versions not stated): ExAC 0.00002; gnomAD exomes 0.00002; TOPMed 0.00002; gnomAD 0.00003; ESP Exome Variant Server 0.00009.

Submission:

CeGaT Center for Human Genetics Tuebingen
Classification: Likely benign. Last evaluated: 2022-12-01. Review status: criteria provided, single submitter. Criteria: CeGaT Center For Human Genetics Tuebingen Variant Classification Criteria Version 2. Collection method: clinical testing. Allele origin: germline. Affected: yes. Observed: 1 variant allele.
Comment: ARMCX5: BP4, BP7, BS2

NM_001168478.2(ARMCX5):c.1149C>T (p.Ser383=)

Genes: ARMCX5 (armadillo repeat containing X-linked 5; plus strand), ARMCX5-GPRASP2 (ARMCX5-GPRASP2 readthrough; plus strand). Cytogenetic location: Xq22.1.
Variant type: single nucleotide variant.
Coding change: c.1149C>T on transcript NM_001168478.2 (MANE Select); coding-DNA position 1149, C replaced by T.
Protein change: p.Ser383=; no amino-acid change (serine 383 retained).
Molecular consequence: synonymous variant. On other transcripts: intron variant (2).
Genome position (GRCh38, 1-based): chrX:102,603,290, C>T. VCF-style: chrX-102603290-C-T. GRCh37 (hg19) VCF-style: chrX-101858218-C-T.
Other names: c.1149C>T, p.Ser383= (NM_001168479.2, NM_001168480.2, NM_001168482.2 and 2 more transcripts); c.-652+1781C>T (NM_001199818.1); c.-1137-2192C>T (NM_001350268.2).
Identifiers: ClinVar variation 2661078 (VCV002661078.24), dbSNP rs374899022, ClinGen allele CA10475904.